The following is an entry in ClinVar:

ClinVar aggregate classification (germline): Pathogenic (1 of 4 stars; one submission).

Conditions:
Intestinal hypomagnesemia 1. Also called: HYPOMAGNESEMIA, INTESTINAL, WITH SECONDARY HYPOCALCEMIA; HYPOMAGNESEMIC TETANY. Identifiers: Orphanet 30924, MedGen C1865974, MONDO:0011176, OMIM 602014.

Submission:

Diagnostics Services (NGS), CSIR - Centre For Cellular And Molecular Biology
Classification: Pathogenic for Intestinal hypomagnesemia 1. Last evaluated: 2021-05-11. Review status: criteria provided, single submitter. Criteria: ACMG Guidelines, 2015. Collection method: clinical testing. Allele origin: unknown. Inheritance: Autosomal recessive inheritance. Affected: yes. Observed: 1 variant allele, 1 compound heterozygote.
Comment: The c.3094+2T>C variant is not present in publicly available population databases like 1000 Genomes, EVS, ExAC, gnomAD and dbSNP. The variant is not present in Indian Exome Database [Kausthubham et al. Hum Mutat, 2021] and in our in-house exome database. The variant was not earlier reported to ClinVar, Human Genome Mutation Database (HGMD) and/or OMIM databases in any affected individuals. In-silico pathogenicity prediction programs like HSF3.1, MutationTaster2, CADD, Varsome etc. predicted this variant to be likely disease causing. The variant qualifies all the criterias of ACMG guidelines to be classified as pathogenic.

NM_017662.5(TRPM6):c.3094+2T>C

Gene: TRPM6 (transient receptor potential cation channel subfamily M member 6; minus strand). Cytogenetic location: 9q21.13.
Variant type: single nucleotide variant.
Coding change: c.3094+2T>C on transcript NM_017662.5 (MANE Select); the canonical splice donor site of the intron after coding-DNA position 3094, T replaced by C.
Molecular consequence: splice donor variant.
Genome position (GRCh38, 1-based): chr9:74,782,677, A>G on the plus strand (T>C on the coding strand, the complement: TRPM6 is on the minus strand). VCF-style: chr9-74782677-A-G. GRCh37 (hg19) VCF-style: chr9-77397593-A-G.
Other names: c.3079+2T>C (NM_001177310.2, NM_001177311.2).
Identifiers: ClinVar variation 1173101 (VCV001173101.4), dbSNP rs2118927777, ClinGen allele CA373670968.
Genomic context (GRCh38, chr9:74,782,677, plus strand): 5'-TATTTTACTCTTGTTAACTATGAAGGCACAATTTCTGCATGACGGTAAAATCCCATACAC[A>G]CCATCTATTTCTCCAGCATAGACTTCTCCGTATATCATCCAGTATGGCTCAAATACAATA-3'